The following is an entry in ClinVar:

NM_001042492.3(NF1):c.6334del (p.Ala2112fs)

Gene: NF1 (neurofibromin 1; plus strand). Cytogenetic location: 17q11.2.
Variant type: Deletion.
Coding change: c.6334del on transcript NM_001042492.3 (MANE Select); coding-DNA position 6334, one base deleted (G; older notation c.6334delG).
Protein change: p.Ala2112fs; shifts the reading frame from alanine 2112.
Molecular consequence: frameshift variant.
Genome position (GRCh38, 1-based): chr17:31,336,821, G deleted. VCF-style (leftmost placement, unchanged base first): chr17-31336820-AG-A. GRCh37 (hg19) VCF-style: chr17-29663838-AG-A.
Other names: c.6271delG (NM_000267.3); c.6271delG, p.Ala2091Profs (NM_000267.4); short protein forms A2091fs, A2112fs.
Identifiers: ClinVar variation 484028 (VCV000484028.5), dbSNP rs1555534735, ClinGen allele CA658658563.
Genomic context (GRCh38, chr17:31,336,820, plus strand): 5'-CAATTCCCTTGATGTGGCAGCTCATCTTCCCTACCTCTTCCACGTTGTTACTTTCTTAGT[AG>A]CCACAGGTCCGCTCTCCCTTAGAGCTTCCACACATGGACTGGTCATTAATATCATTCACT-3'

ClinVar aggregate classification (germline): Pathogenic (1 of 4 stars; one submission).

Conditions:
Cardiovascular phenotype. Identifiers: MedGen CN230736.
Hereditary cancer-predisposing syndrome. Also called: Neoplastic Syndromes, Hereditary; Tumor predisposition; Hereditary Cancer Syndrome; Hereditary neoplastic syndrome. Identifiers: Orphanet 140162, MedGen C0027672, MeSH D009386, MONDO:0015356.

Submission:

Ambry Genetics
Classification: Pathogenic for Cardiovascular phenotype; Hereditary cancer-predisposing syndrome. Last evaluated: 2016-04-04. Review status: criteria provided, single submitter. Criteria: Ambry Variant Classification Scheme 2023. Collection method: clinical testing. Allele origin: germline.
Comment: The c.6271delG pathogenic mutation, located in coding exon 41 of the NF1 gene, results from a deletion of one nucleotide at nucleotide position 6271, causing a translational frameshift with a predicted alternate stop codon. Since frameshifts are typically deleterious in nature, this alteration is interpreted as a disease-causing mutation (ACMG Recommendations for Standards for Interpretation and Reporting of Sequence Variations. Revision 2007. Genet Med. 2008;10:294).